The following is an entry in ClinVar:

NM_003072.5(SMARCA4):c.3168+2_3168+3dup

Gene: SMARCA4 (SWI/SNF related BAF chromatin remodeling complex subunit ATPase 4; plus strand). Cytogenetic location: 19p13.2.
Variant type: Duplication.
Coding change: c.3168+2_3168+3dup on transcript NM_003072.5 (MANE Select); the canonical splice donor site of the intron after coding-DNA position 3168 through 3 bases into the intron after coding-DNA position 3168, 2 bases duplicated (TG; older notation c.3168+2_3168+3dupTG).
Molecular consequence: splice donor variant.
Genome position (GRCh38, 1-based): chr19:11,025,510-11,025,511, TG duplicated; duplicating any 2 consecutive bases within chr19:11,025,509-11,025,511 gives the same sequence; the c. name uses the placement nearest the transcript's 3' end. VCF-style (leftmost placement, unchanged base first): chr19-11025508-G-GGT. GRCh37 (hg19) VCF-style: chr19-11136184-G-GGT.
Other names: c.3168+2_3168+3dup (NM_001128844.3, NM_001128849.3, NM_001128847.4 and 6 more transcripts).
Identifiers: ClinVar variation 3722302 (VCV003722302.2).

ClinVar aggregate classification (germline): Uncertain significance (1 of 4 stars; one submission).

Conditions:
Rhabdoid tumor predisposition syndrome 2 (RTPS2). Identifiers: Orphanet 231108, Orphanet 69077, MedGen C2750074, MONDO:0013224, OMIM 613325.

Submission:

Labcorp Genetics (formerly Invitae), Labcorp
Classification: Uncertain significance for Rhabdoid tumor predisposition syndrome 2. Last evaluated: 2024-10-06. Review status: criteria provided, single submitter. Criteria: Invitae Variant Classification Sherloc (09022015). Collection method: clinical testing. Allele origin: germline.
Comment: This sequence change falls in intron 22 of the SMARCA4 gene. It does not directly change the encoded amino acid sequence of the SMARCA4 protein. It affects a nucleotide within the consensus splice site. This variant is not present in population databases (gnomAD no frequency). This variant has not been reported in the literature in individuals affected with SMARCA4-related conditions. Variants that disrupt the consensus splice site are a relatively common cause of aberrant splicing (PMID: 17576681, 9536098). Algorithms developed to predict the effect of sequence changes on RNA splicing suggest that this variant may create or strengthen a splice site. In summary, the available evidence is currently insufficient to determine the role of this variant in disease. Therefore, it has been classified as a Variant of Uncertain Significance.

Literature cited by the submitters: PubMed 17576681; PubMed 9536098.